The following is an entry in ClinVar:

ClinVar aggregate classification (germline): Likely pathogenic. Review status: criteria provided, multiple submitters, no conflicts (2 of 4 stars). 2 submissions from 2 submitters: Likely pathogenic (2). Last evaluated 2024-07-11.

Conditions:
Pontocerebellar hypoplasia type 6 (PCH6). Identifiers: Orphanet 166073, MedGen C1969084, MONDO:0012683, OMIM 611523.

Submissions (2):

Natera, Inc.
Classification: Likely pathogenic for Pontocerebellar hypoplasia, type 6. Last evaluated: 2024-07-11. Review status: criteria provided, single submitter. Criteria: Natera Variant Classification Schema (03/2026). Collection method: clinical testing. Allele origin: germline.
Comment: The c.395+1_395+9del variant in RARS2 is a canonical splice donor site variant predicted to affect pre-mRNA splicing, which may result in an abnormal transcript and altered protein product. This variant is expected to result in nonsense mediated decay, truncation, or a dysfunctional protein product. This variant is rare in the general population with a frequency below the threshold expected for the associated phenotype(s). Given the available evidence, this variant is classified as Likely Pathogenic.

Labcorp Genetics (formerly Invitae), Labcorp
Classification: Likely pathogenic. Last evaluated: 2023-09-04. Review status: criteria provided, single submitter. Criteria: Invitae Variant Classification Sherloc (09022015). Collection method: clinical testing. Allele origin: germline.
Comment: Algorithms developed to predict the effect of sequence changes on RNA splicing suggest that this variant may disrupt the consensus splice site. In summary, the currently available evidence indicates that the variant is pathogenic, but additional data are needed to prove that conclusively. Therefore, this variant has been classified as Likely Pathogenic. This variant has not been reported in the literature in individuals affected with RARS2-related conditions. This sequence change affects a splice site in intron 5 of the RARS2 gene. It is expected to disrupt RNA splicing. Variants that disrupt the donor or acceptor splice site typically lead to a loss of protein function (PMID: 16199547), and loss-of-function variants in RARS2 are known to be pathogenic (PMID: 17847012, 22569581, 26083569). This variant is present in population databases (rs751270981, gnomAD 0.0009%).

Literature cited by the submitters: PubMed 16199547 (cited by Labcorp Genetics (formerly Invitae), Labcorp); PubMed 17847012 (cited by Labcorp Genetics (formerly Invitae), Labcorp); PubMed 22569581 (cited by Labcorp Genetics (formerly Invitae), Labcorp); PubMed 26083569 (cited by Labcorp Genetics (formerly Invitae), Labcorp).

NM_020320.5(RARS2):c.395+1_395+9del

Gene: RARS2 (arginyl-tRNA synthetase 2, mitochondrial; minus strand). Cytogenetic location: 6q15.
Variant type: Deletion.
Coding change: c.395+1_395+9del on transcript NM_020320.5 (MANE Select); the canonical splice donor site of the intron after coding-DNA position 395 through 9 bases into the intron after coding-DNA position 395, 9 bases deleted (GTGAGGGTG; older notation c.395+1_395+9delGTGAGGGTG).
Molecular consequence: splice donor variant.
Genome position (GRCh38, 1-based): chr6:87,555,399-87,555,407, CACCCTCAC deleted on the plus strand (GTGAGGGTG on the coding strand, the reverse complement: RARS2 is on the minus strand); deleting any 9 consecutive bases within chr6:87,555,399-87,555,408 gives the same sequence; the c. name uses the placement nearest the transcript's 3' end. VCF-style (leftmost placement, unchanged base first): chr6-87555398-GCACCCTCAC-G. GRCh37 (hg19) VCF-style: chr6-88265116-GCACCCTCAC-G.
Other names: c.395+1_395+9del (NM_001350505.2, NM_020320.4); c.-75+1_-75+9del (NM_001350509.2, NM_001318785.2); c.-131+1_-131+9del (NM_001350506.2, NM_001350510.2, NM_001350511.2 and 1 more transcripts); c.-293+1_-293+9del (NM_001350508.2).
Identifiers: ClinVar variation 2895379 (VCV002895379.4), dbSNP rs751270981, ClinGen allele CA3916675.
Genomic context (GRCh38, chr6:87,555,398, plus strand): 5'-AATGATGGTAATAACACTCCTCTGCCCAGTCAACTTGATTAAGCAACACATAAAAGGGGT[GCACCCTCAC>G]CTGAATTCAACCACAATCTTCTTCTGGGGAAGTCCAGAGAAAAGTTCACTTTTTAATCCA-3'